The following is an entry in ClinVar:

ClinVar aggregate classification (germline): Uncertain significance (1 of 4 stars; one submission).

Submission:

Labcorp Genetics (formerly Invitae), Labcorp
Classification: Uncertain significance. Last evaluated: 2021-05-12. Review status: criteria provided, single submitter. Criteria: Invitae Variant Classification Sherloc (09022015). Collection method: clinical testing. Allele origin: germline.
Comment: This sequence change replaces proline with leucine at codon 287 of the TUBB3 protein (p.Pro287Leu). The proline residue is highly conserved and there is a moderate physicochemical difference between proline and leucine. This variant is not present in population databases (ExAC no frequency). This variant has not been reported in the literature in individuals with TUBB3-related conditions. Algorithms developed to predict the effect of missense changes on protein structure and function (SIFT, PolyPhen-2, Align-GVGD) all suggest that this variant is likely to be disruptive, but these predictions have not been confirmed by published functional studies and their clinical significance is uncertain. In summary, the available evidence is currently insufficient to determine the role of this variant in disease. Therefore, it has been classified as a Variant of Uncertain Significance.

NM_006086.4(TUBB3):c.860C>T (p.Pro287Leu)

Gene: TUBB3 (tubulin beta 3 class III; plus strand). Cytogenetic location: 16q24.3.
Variant type: single nucleotide variant.
Coding change: c.860C>T on transcript NM_006086.4 (MANE Select); coding-DNA position 860, C replaced by T.
Protein change: p.Pro287Leu; replaces proline 287 with leucine.
Molecular consequence: missense variant.
Genome position (GRCh38, 1-based): chr16:89,935,311, C>T. VCF-style: chr16-89935311-C-T. GRCh37 (hg19) VCF-style: chr16-90001719-C-T.
Other names: c.644C>T, p.Pro215Leu (NM_001197181.2); short protein forms P215L, P287L.
Identifiers: ClinVar variation 1394694 (VCV001394694.6), dbSNP rs2151092939, ClinGen allele CA397475629.
Genomic context (GRCh38, chr16:89,935,311, plus strand): 5'-TGCCCGGCTTCGCCCCCCTCACAGCCCGGGGCAGCCAGCAGTACCGGGCCCTGACCGTGC[C>T]CGAGCTCACCCAGCAGATGTTCGATGCCAAGAACATGATGGCCGCCTGCGACCCGCGCCA-3'
Protein context (NP_006077.2, residues 277-297): GSQQYRALTV[Pro287Leu]ELTQQMFDAK